The following is an entry in ClinVar:

NM_014806.5(RUSC2):c.2444C>A (p.Pro815His)

Gene: RUSC2 (RUN and SH3 domain containing 2; plus strand). Cytogenetic location: 9p13.3.
Variant type: single nucleotide variant.
Coding change: c.2444C>A on transcript NM_014806.5 (MANE Select); coding-DNA position 2444, C replaced by A.
Protein change: p.Pro815His; replaces proline 815 with histidine.
Molecular consequence: missense variant. On other transcripts: 5 prime UTR variant (1), non-coding transcript variant (1).
Genome position (GRCh38, 1-based): chr9:35,555,489, C>A. VCF-style: chr9-35555489-C-A. GRCh37 (hg19) VCF-style: chr9-35555486-C-A.
Other names: c.2444C>A, p.Pro815His (NM_001135999.2); c.-191C>A (NM_001330740.2); short protein forms P815H.
Identifiers: ClinVar variation 3361967 (VCV003361967.1).

ClinVar aggregate classification (germline): Uncertain significance (1 of 4 stars; one submission).

Submission:

GeneDx
Classification: Uncertain significance. Last evaluated: 2023-05-24. Review status: criteria provided, single submitter. Criteria: GeneDx Variant Classification Process June 2021. Collection method: clinical testing. Allele origin: germline. Affected: yes.
Comment: Has not been previously published as pathogenic or benign to our knowledge; Not observed at significant frequency in large population cohorts (gnomAD); In silico analysis supports that this missense variant does not alter protein structure/function